The following is an entry in ClinVar:

ClinVar aggregate classification (germline): Uncertain significance (1 of 4 stars; one submission).

Allele frequency attached by ClinVar (database versions not stated): ESP Exome Variant Server 0.00008; TOPMed 0.00013; gnomAD 0.00014 and 0.00015; 1000 Genomes Project 30x 0.00016; gnomAD exomes 0.00019 and 0.00021; 1000 Genomes Project 0.00020; ExAC 0.00022.
gnomAD v4.1: 297 of 1,614,154 alleles (0.018%); highest among the groups gnomAD compares: Admixed American, 0.057%; no homozygotes.

Submission:

Labcorp Genetics (formerly Invitae), Labcorp
Classification: Uncertain significance. Last evaluated: 2025-06-11. Review status: criteria provided, single submitter. Criteria: Invitae Variant Classification Sherloc (09022015). Collection method: clinical testing. Allele origin: germline.
Comment: This sequence change replaces proline, which is neutral and non-polar, with arginine, which is basic and polar, at codon 514 of the ROR1 protein (p.Pro514Arg). This variant is present in population databases (rs201679982, gnomAD 0.07%), and has an allele count higher than expected for a pathogenic variant. This variant has not been reported in the literature in individuals affected with ROR1-related conditions. ClinVar contains an entry for this variant (Variation ID: 1511455). Invitae Evidence Modeling of protein sequence and biophysical properties (such as structural, functional, and spatial information, amino acid conservation, physicochemical variation, residue mobility, and thermodynamic stability) indicates that this missense variant is not expected to disrupt ROR1 protein function with a negative predictive value of 80%. In summary, the available evidence is currently insufficient to determine the role of this variant in disease. Therefore, it has been classified as a Variant of Uncertain Significance.

NM_005012.4(ROR1):c.1541C>G (p.Pro514Arg)

Gene: ROR1 (receptor tyrosine kinase like orphan receptor 1; plus strand). Cytogenetic location: 1p31.3.
Variant type: single nucleotide variant.
Coding change: c.1541C>G on transcript NM_005012.4 (MANE Select); coding-DNA position 1541, C replaced by G.
Protein change: p.Pro514Arg; replaces proline 514 with arginine.
Molecular consequence: missense variant.
Genome position (GRCh38, 1-based): chr1:64,177,582, C>G. VCF-style: chr1-64177582-C-G. GRCh37 (hg19) VCF-style: chr1-64643265-C-G.
Other names: short protein forms P514R.
Identifiers: ClinVar variation 1511455 (VCV001511455.8), dbSNP rs201679982, ClinGen allele CA890301.